The following is an entry in ClinVar:

ClinVar aggregate classification (germline): Pathogenic (1 of 4 stars; one submission).

Conditions:
Mucopolysaccharidosis, MPS-III-B (MPS3B). Also called: N-ACETYL-ALPHA-D-GLUCOSAMINIDASE DEFICIENCY; NAGLU DEFICIENCY; SANFILIPPO SYNDROME B; MPS III B; MUCOPOLYSACCHARIDOSIS, TYPE IIIB; Mucopolysaccharidosis type IIIB (Sanfilippo B). Identifiers: Orphanet 79270, MedGen C0086648, MONDO:0009656, OMIM 252920.

Submission:

Myriad Genetics, Inc.
Classification: Pathogenic for Mucopolysaccharidosis, MPS-III-B. Last evaluated: 2024-05-14. Review status: criteria provided, single submitter. Criteria: Myriad Autosomal Dominant, Autosomal Recessive and X-Linked Classification Criteria (2023). Collection method: clinical testing. Allele origin: unknown.
Comment: NM_000263.3(NAGLU):c.602G>A(W201*) is expected to be pathogenic in the context of mucopolysaccharidosis type IIIB. This variant is predicted to lead to an abnormal or absent protein product due to the creation of a premature termination codon in NAGLU, a gene where loss-of-function variants are known to be pathogenic. Please note: this variant was assessed in the context of healthy population screening.

NM_000263.4(NAGLU):c.602G>A (p.Trp201Ter)

Gene: NAGLU (N-acetyl-alpha-glucosaminidase; plus strand). Cytogenetic location: 17q21.2.
Variant type: single nucleotide variant.
Coding change: c.602G>A on transcript NM_000263.4 (MANE Select); coding-DNA position 602, G replaced by A.
Protein change: p.Trp201Ter; replaces tryptophan 201 with a stop codon.
Molecular consequence: nonsense.
Genome position (GRCh38, 1-based): chr17:42,538,409, G>A. VCF-style: chr17-42538409-G-A. GRCh37 (hg19) VCF-style: chr17-40690427-G-A.
Other names: short protein forms W201*.
Identifiers: ClinVar variation 5013053 (VCV005013053.1).
Genomic context (GRCh38, chr17:42,538,409, plus strand): 5'-CCTTGGGCCTGACCCAGGCAGAGATCAATGAGTTCTTTACTGGTCCTGCCTTCCTGGCCT[G>A]GGGGCGAATGGGCAACCTGCACACCTGGGATGGCCCCCTGCCCCCCTCCTGGCACATCAA-3'